The following is an entry in ClinVar:

ClinVar aggregate classification (germline): Uncertain significance (1 of 4 stars; one submission).

Submission:

CeGaT Center for Human Genetics Tuebingen
Classification: Uncertain significance. Last evaluated: 2022-05-01. Review status: criteria provided, single submitter. Criteria: CeGaT Center For Human Genetics Tuebingen Variant Classification Criteria Version 2. Collection method: clinical testing. Allele origin: germline. Affected: yes. Observed: 1 variant allele.
Comment: NIPBL: PM2, PP3

NM_133433.4(NIPBL):c.3211A>G (p.Met1071Val)

Gene: NIPBL (NIPBL cohesin loading factor; plus strand). Cytogenetic location: 5p13.2.
Variant type: single nucleotide variant.
Coding change: c.3211A>G on transcript NM_133433.4 (MANE Select); coding-DNA position 3211, A replaced by G.
Protein change: p.Met1071Val; replaces methionine 1071 with valine.
Molecular consequence: missense variant.
Genome position (GRCh38, 1-based): chr5:36,995,711, A>G. VCF-style: chr5-36995711-A-G. GRCh37 (hg19) VCF-style: chr5-36995813-A-G.
Other names: c.3211A>G, p.Met1071Val (NM_015384.5); short protein forms M1071V.
Identifiers: ClinVar variation 1695125 (VCV001695125.31), dbSNP rs2149662599, ClinGen allele CA359513544.